The following is an entry in ClinVar:

NM_001164277.2(SLC37A4):c.226G>C (p.Ala76Pro)

Gene: SLC37A4 (solute carrier family 37 member 4; minus strand). Cytogenetic location: 11q23.3.
Variant type: single nucleotide variant.
Coding change: c.226G>C on transcript NM_001164277.2 (MANE Select); coding-DNA position 226, G replaced by C.
Protein change: p.Ala76Pro; replaces alanine 76 with proline.
Molecular consequence: missense variant.
Genome position (GRCh38, 1-based): chr11:119,028,349, C>G on the plus strand (G>C on the coding strand, the complement: SLC37A4 is on the minus strand). VCF-style: chr11-119028349-C-G. GRCh37 (hg19) VCF-style: chr11-118899059-C-G.
Other names: c.226G>C, p.Ala76Pro (NM_001164278.2, NM_001164280.2, NM_001467.6); c.7G>C, p.Ala3Pro (NM_001164279.2); short protein forms A3P, A76P.
Identifiers: ClinVar variation 1421795 (VCV001421795.6), dbSNP rs948802122, ClinGen allele CA229599830.

ClinVar aggregate classification (germline): Uncertain significance (1 of 4 stars; one submission).

Conditions:
Glucose-6-phosphate transport defect (GSD1B). Also called: Glycogen Storage Disease Type Ib; GSD Ib. Identifiers: Orphanet 364, Orphanet 79259, MedGen C0268146, MONDO:0009288, OMIM 232220.

Submission:

Labcorp Genetics (formerly Invitae), Labcorp
Classification: Uncertain significance for Glucose-6-phosphate transport defect. Last evaluated: 2021-10-21. Review status: criteria provided, single submitter. Criteria: Invitae Variant Classification Sherloc (09022015). Collection method: clinical testing. Allele origin: germline.
Comment: In summary, the available evidence is currently insufficient to determine the role of this variant in disease. Therefore, it has been classified as a Variant of Uncertain Significance. Experimental studies and prediction algorithms are not available or were not evaluated, and the functional significance of this variant is currently unknown. This variant has not been reported in the literature in individuals with SLC37A4-related conditions. This variant is not present in population databases (ExAC no frequency). This sequence change replaces alanine with proline at codon 76 of the SLC37A4 protein (p.Ala76Pro). The alanine residue is highly conserved and there is a small physicochemical difference between alanine and proline.